The following is an entry in ClinVar:

NM_001303256.3(MORC2):c.2830T>C (p.Ser944Pro)

Gene: MORC2 (MORC family CW-type zinc finger 2; minus strand). Cytogenetic location: 22q12.2.
Variant type: single nucleotide variant.
Coding change: c.2830T>C on transcript NM_001303256.3 (MANE Select); coding-DNA position 2830, T replaced by C.
Protein change: p.Ser944Pro; replaces serine 944 with proline.
Molecular consequence: missense variant.
Genome position (GRCh38, 1-based): chr22:30,932,370, A>G on the plus strand (T>C on the coding strand, the complement: MORC2 is on the minus strand). VCF-style: chr22-30932370-A-G. GRCh37 (hg19) VCF-style: chr22-31328357-A-G.
Other names: c.2830T>C, p.Ser944Pro (NM_001303257.2); c.2644T>C, p.Ser882Pro (NM_014941.3); short protein forms S882P, S944P.
Identifiers: ClinVar variation 3367718 (VCV003367718.2).

ClinVar aggregate classification (germline): Uncertain significance (1 of 4 stars; one submission).

gnomAD v4.1: 1 of 1,613,626 alleles (0.000062%); highest among the groups gnomAD compares: East Asian, 0.0022%; no homozygotes.

Submission:

GeneDx
Classification: Uncertain significance. Last evaluated: 2025-01-10. Review status: criteria provided, single submitter. Criteria: GeneDx Variant Classification Process June 2021. Collection method: clinical testing. Allele origin: germline.
Comment: Not observed at significant frequency in large population cohorts (gnomAD); In silico analysis indicates that this missense variant does not alter protein structure/function; Has not been previously published as pathogenic or benign to our knowledge